The following is an entry in ClinVar:

NM_000081.4(LYST):c.2404C>A (p.Gln802Lys)

Gene: LYST (lysosomal trafficking regulator; minus strand). Cytogenetic location: 1q42.3.
Variant type: single nucleotide variant.
Coding change: c.2404C>A on transcript NM_000081.4 (MANE Select); coding-DNA position 2404, C replaced by A.
Protein change: p.Gln802Lys; replaces glutamine 802 with lysine.
Molecular consequence: missense variant.
Genome position (GRCh38, 1-based): chr1:235,806,732, G>T on the plus strand (C>A on the coding strand, the complement: LYST is on the minus strand). VCF-style: chr1-235806732-G-T. GRCh37 (hg19) VCF-style: chr1-235970032-G-T.
Other names: c.2404C>A, p.Gln802Lys (NM_001301365.1); short protein forms Q802K.
Identifiers: ClinVar variation 1714871 (VCV001714871.5), dbSNP rs2527086637, ClinGen allele CA344957884.

ClinVar aggregate classification (germline): Uncertain significance (1 of 4 stars; one submission).

Conditions:
Chédiak-Higashi syndrome (CHS). Also called: Chediak-Higashi Syndrome. Identifiers: Orphanet 167, MedGen C0007965, MONDO:0008963, OMIM 214500.

Allele frequency attached by ClinVar (database versions not stated): gnomAD exomes below 0.00001.

Submission:

Labcorp Genetics (formerly Invitae), Labcorp
Classification: Uncertain significance for Chédiak-Higashi syndrome. Last evaluated: 2022-08-03. Review status: criteria provided, single submitter. Criteria: Invitae Variant Classification Sherloc (09022015). Collection method: clinical testing. Allele origin: germline.
Comment: This variant has not been reported in the literature in individuals affected with LYST-related conditions. In summary, the available evidence is currently insufficient to determine the role of this variant in disease. Therefore, it has been classified as a Variant of Uncertain Significance. Algorithms developed to predict the effect of missense changes on protein structure and function are either unavailable or do not agree on the potential impact of this missense change (SIFT: "Tolerated"; PolyPhen-2: "Possibly Damaging"; Align-GVGD: "Class C0"). This variant is not present in population databases (gnomAD no frequency). This sequence change replaces glutamine, which is neutral and polar, with lysine, which is basic and polar, at codon 802 of the LYST protein (p.Gln802Lys).